The following is an entry in ClinVar:

ClinVar aggregate classification (germline): Likely benign (1 of 4 stars; one submission).

Allele frequency attached by ClinVar (database versions not stated): ExAC 0.00111; 1000 Genomes Project 30x 0.00187; 1000 Genomes Project 0.00200.
gnomAD v4.1: 738 of 1,535,048 alleles (0.048%); highest among the groups gnomAD compares: East Asian, 1.1%; 3 homozygotes.

Submission:

CeGaT Center for Human Genetics Tuebingen
Classification: Likely benign. Last evaluated: 2025-03-01. Review status: criteria provided, single submitter. Criteria: CeGaT Center For Human Genetics Tuebingen Variant Classification Criteria Version 2. Collection method: clinical testing. Allele origin: germline. Affected: yes. Observed: 2 variant alleles.
Comment: SOX17: BS1

NM_022454.4(SOX17):c.808A>T (p.Met270Leu)

Gene: SOX17 (SRY-box transcription factor 17; plus strand). Cytogenetic location: 8q11.23.
Variant type: single nucleotide variant.
Coding change: c.808A>T on transcript NM_022454.4 (MANE Select); coding-DNA position 808, A replaced by T.
Protein change: p.Met270Leu; replaces methionine 270 with leucine.
Molecular consequence: missense variant.
Genome position (GRCh38, 1-based): chr8:54,459,558, A>T. VCF-style: chr8-54459558-A-T. GRCh37 (hg19) VCF-style: chr8-55372118-A-T.
Other names: short protein forms M270L.
Identifiers: ClinVar variation 1879711 (VCV001879711.29), dbSNP rs544794356, ClinGen allele CA4750976.